The following is an entry in ClinVar:

ClinVar aggregate classification (germline): Pathogenic (1 of 4 stars; one submission).

Conditions:
Propionic acidemia (PROP). Also called: GLYCINEMIA, KETOTIC; HYPERGLYCINEMIA WITH KETOACIDOSIS AND LEUKOPENIA; KETOTIC HYPERGLYCINEMIA. Identifiers: Orphanet 35, MedGen C0268579, MONDO:0011628, OMIM 606054, HP:0003571.

Submission:

Labcorp Genetics (formerly Invitae), Labcorp
Classification: Pathogenic for Propionic acidemia. Last evaluated: 2022-11-08. Review status: criteria provided, single submitter. Criteria: Invitae Variant Classification Sherloc (09022015). Collection method: clinical testing. Allele origin: unknown.
Comment: For these reasons, this variant has been classified as Pathogenic. This variant disrupts a region of the PCCB protein in which other variant(s) (p.Pro228Leu) have been determined to be pathogenic (PMID: 8023851, 12007220, 15949719). This suggests that this is a clinically significant region of the protein, and that variants that disrupt it are likely to be disease-causing. This variant has not been reported in the literature in individuals affected with PCCB-related conditions. This variant is a gross deletion of the genomic region encompassing exon(s) 6-15 of the PCCB gene, which includes the termination codon. This deletion extends beyond the assayed region for this gene and therefore may encompass additional genes. While this deletion is not anticipated to lead to nonsense mediated decay, it is expected to alter mRNA translation or result in a truncated protein product.

Literature cited by the submitters: PubMed 8023851; PubMed 12007220; PubMed 15949719.

NC_000003.11:g.(?_136002669)_(136048878_?)del

Gene: PCCB (propionyl-CoA carboxylase subunit beta; plus strand). Cytogenetic location: 3q22.3.
Variant type: Deletion.
Identifiers: ClinVar variation 3246858 (VCV003246858.1).